The following is an entry in ClinVar:

ClinVar aggregate classification (germline): Uncertain significance. Review status: criteria provided, multiple submitters, no conflicts (2 of 4 stars). 2 submissions from 2 submitters: Uncertain significance (2). Last evaluated 2024-04-19.

Conditions:
Branchiootorenal syndrome 2 (BOR2). Identifiers: Orphanet 107, MedGen C1970479, MONDO:0012575, OMIM 610896.

Allele frequency attached by ClinVar (database versions not stated): gnomAD exomes 0.00001.

Submissions (2):

Fulgent Genetics
Classification: Uncertain significance for Branchiootorenal syndrome 2. Last evaluated: 2024-04-19. Review status: criteria provided, single submitter. Criteria: ACMG Guidelines, 2015. Collection method: clinical testing. Allele origin: germline.

Labcorp Genetics (formerly Invitae), Labcorp
Classification: Uncertain significance. Last evaluated: 2022-07-19. Review status: criteria provided, single submitter. Criteria: Invitae Variant Classification Sherloc (09022015). Collection method: clinical testing. Allele origin: germline.
Comment: In summary, the available evidence is currently insufficient to determine the role of this variant in disease. Therefore, it has been classified as a Variant of Uncertain Significance. Algorithms developed to predict the effect of missense changes on protein structure and function are either unavailable or do not agree on the potential impact of this missense change (SIFT: "Tolerated"; PolyPhen-2: "Possibly Damaging"; Align-GVGD: "Class C0"). This variant has not been reported in the literature in individuals affected with SIX5-related conditions. The frequency data for this variant in the population databases is considered unreliable, as metrics indicate poor data quality at this position in the gnomAD database. This sequence change replaces alanine, which is neutral and non-polar, with threonine, which is neutral and polar, at codon 155 of the SIX5 protein (p.Ala155Thr).

NM_175875.5(SIX5):c.463G>A (p.Ala155Thr)

Genes: DM1-AS (DM1 locus antisense RNA; plus strand), SIX5 (SIX homeobox 5; minus strand), LOC107075317 (origin of replication in DMPK trinucleotide repeat region; plus strand). Cytogenetic location: 19q13.32.
Variant type: single nucleotide variant.
Coding change: c.463G>A on transcript NM_175875.5 (MANE Select); coding-DNA position 463, G replaced by A.
Protein change: p.Ala155Thr; replaces alanine 155 with threonine.
Molecular consequence: missense variant.
Genome position (GRCh38, 1-based): chr19:45,768,382, C>T on the plus strand (G>A on the coding strand, the complement: SIX5 is on the minus strand). VCF-style: chr19-45768382-C-T. GRCh37 (hg19) VCF-style: chr19-46271640-C-T.
Other names: short protein forms A155T.
Identifiers: ClinVar variation 2079288 (VCV002079288.5), dbSNP rs1352325991, ClinGen allele CA406423572.